The following is an entry in ClinVar:

NM_014915.3(ANKRD26):c.729C>G (p.Asp243Glu)

Gene: ANKRD26 (ankyrin repeat domain containing 26; minus strand). Cytogenetic location: 10p12.1.
Variant type: single nucleotide variant.
Coding change: c.729C>G on transcript NM_014915.3 (MANE Select); coding-DNA position 729, C replaced by G.
Protein change: p.Asp243Glu; replaces aspartic acid 243 with glutamic acid.
Molecular consequence: missense variant.
Genome position (GRCh38, 1-based): chr10:27,082,814, G>C on the plus strand (C>G on the coding strand, the complement: ANKRD26 is on the minus strand). VCF-style: chr10-27082814-G-C. GRCh37 (hg19) VCF-style: chr10-27371743-G-C.
Other names: c.729C>G, p.Asp243Glu (NM_001256053.2); short protein forms D243E.
Identifiers: ClinVar variation 3915336 (VCV003915336.1).

ClinVar aggregate classification (germline): Uncertain significance (1 of 4 stars; one submission).

Conditions:
Inborn genetic diseases. Identifiers: MedGen C0950123, MeSH D030342.

gnomAD v4.1: 1 of 1,589,436 alleles (0.000063%); highest among the groups gnomAD compares: Non-Finnish European, 0.000086%; no homozygotes.

Submission:

Ambry Genetics
Classification: Uncertain significance for Inborn genetic diseases. Last evaluated: 2025-06-14. Review status: criteria provided, single submitter. Criteria: Ambry Variant Classification Scheme 2023. Collection method: clinical testing. Allele origin: germline.
Comment: The p.D243E variant (also known as c.729C>G), located in coding exon 6 of the ANKRD26 gene, results from a C to G substitution at nucleotide position 729. The aspartic acid at codon 243 is replaced by glutamic acid, an amino acid with highly similar properties. This amino acid position is conserved. In addition, this alteration is predicted to be tolerated by in silico analysis. Based on the available evidence, the clinical significance of this variant remains unclear.